The following is an entry in ClinVar:

NM_001128126.3(AP4S1):c.175T>C (p.Tyr59His)

Gene: AP4S1 (adaptor related protein complex 4 subunit sigma 1; plus strand). Cytogenetic location: 14q12.
Variant type: single nucleotide variant.
Coding change: c.175T>C on transcript NM_001128126.3 (MANE Select); coding-DNA position 175, T replaced by C.
Protein change: p.Tyr59His; replaces tyrosine 59 with histidine.
Molecular consequence: missense variant.
Genome position (GRCh38, 1-based): chr14:31,069,879, T>C. VCF-style: chr14-31069879-T-C. GRCh37 (hg19) VCF-style: chr14-31539085-T-C.
Other names: c.175T>C, p.Tyr59His (NM_001254726.2, NM_001254727.2, NM_001254728.2 and 2 more transcripts); short protein forms Y59H.
Identifiers: ClinVar variation 1357670 (VCV001357670.8), dbSNP rs762806583, ClinGen allele CA7144187.

ClinVar aggregate classification (germline): Uncertain significance (1 of 4 stars; one submission).

Conditions:
Spastic paraplegia. Identifiers: MedGen C0037772, HP:0001258.

Allele frequency attached by ClinVar (database versions not stated): gnomAD exomes below 0.00001; ExAC 0.00001.
gnomAD v4.1: 2 of 1,613,650 alleles (0.00012%); highest among the groups gnomAD compares: Non-Finnish European, 0.00017%; no homozygotes.

Submission:

Labcorp Genetics (formerly Invitae), Labcorp
Classification: Uncertain significance for Spastic paraplegia. Last evaluated: 2024-01-08. Review status: criteria provided, single submitter. Criteria: Invitae Variant Classification Sherloc (09022015). Collection method: clinical testing. Allele origin: germline.
Comment: This sequence change replaces tyrosine, which is neutral and polar, with histidine, which is basic and polar, at codon 59 of the AP4S1 protein (p.Tyr59His). This variant is present in population databases (rs762806583, gnomAD 0.0009%). This variant has not been reported in the literature in individuals affected with AP4S1-related conditions. ClinVar contains an entry for this variant (Variation ID: 1357670). An algorithm developed to predict the effect of missense changes on protein structure and function (PolyPhen-2) suggests that this variant is likely to be disruptive. In summary, the available evidence is currently insufficient to determine the role of this variant in disease. Therefore, it has been classified as a Variant of Uncertain Significance.